The following is an entry in ClinVar:

NM_000093.5(COL5A1):c.2800-2A>C

Gene: COL5A1 (collagen type V alpha 1 chain; plus strand). Cytogenetic location: 9q34.3.
Variant type: single nucleotide variant.
Coding change: c.2800-2A>C on transcript NM_000093.5 (MANE Select); the canonical splice acceptor site of the intron before coding-DNA position 2800, A replaced by C.
Molecular consequence: splice acceptor variant.
Genome position (GRCh38, 1-based): chr9:134,796,372, A>C. VCF-style: chr9-134796372-A-C. GRCh37 (hg19) VCF-style: chr9-137688218-A-C.
Other names: c.2800-2A>C (NM_001278074.1).
Identifiers: ClinVar variation 4734198 (VCV004734198.1).
Genomic context (GRCh38, chr9:134,796,372, plus strand): 5'-AGAGTCTTTTCATCCAAATAATAACAATCATAAGCTTTTCCCCCCTCTCCTTCCCTCTCA[A>C]GGGCAACTCCGGAGGTGACGGCCCAGCTGGCCCTCCTGGTGAACGGGTAAGCAGCTGGAG-3'

ClinVar aggregate classification (germline): Pathogenic (1 of 4 stars; one submission).

Conditions:
Ehlers-Danlos syndrome, classic type, 1 (EDSCL1). Also called: EHLERS-DANLOS SYNDROME, GRAVIS TYPE; EHLERS-DANLOS SYNDROME, SEVERE CLASSIC TYPE; Ehlers-Danlos syndrome, type 1; Ehlers-Danlos Syndrome, Classic Type, COL5A1-Related; EDS I. Identifiers: MedGen C0268335, MONDO:0019567, OMIM 130000.

Submission:

Labcorp Genetics (formerly Invitae), Labcorp
Classification: Pathogenic for Ehlers-Danlos syndrome, classic type, 1. Last evaluated: 2026-01-02. Review status: criteria provided, single submitter. Criteria: Invitae Variant Classification Sherloc (09022015). Collection method: clinical testing. Allele origin: germline.
Comment: This sequence change affects an acceptor splice site in intron 34 of the COL5A1 gene. It is expected to disrupt RNA splicing. Variants that disrupt the donor or acceptor splice site typically lead to a loss of protein function (PMID: 16199547), and loss-of-function variants in COL5A1 are known to be pathogenic (PMID: 23587214). This variant is not present in population databases (gnomAD no frequency). Disruption of this splice site has been observed in individuals with clinical features of Ehlers-Danlos syndrome (PMID: 34265140; internal data). Algorithms developed to predict the effect of sequence changes on RNA splicing suggest that this variant may disrupt the consensus splice site. For these reasons, this variant has been classified as Pathogenic.

Literature cited by the submitters: PubMed 16199547; PubMed 23587214; PubMed 34265140.